The following is an entry in ClinVar:

NM_032236.8(USP48):c.1254T>C (p.Tyr418=)

Gene: USP48 (ubiquitin specific peptidase 48; minus strand). Cytogenetic location: 1p36.12.
Variant type: single nucleotide variant.
Coding change: c.1254T>C on transcript NM_032236.8 (MANE Select); coding-DNA position 1254, T replaced by C.
Protein change: p.Tyr418=; no amino-acid change (tyrosine 418 retained).
Molecular consequence: synonymous variant.
Genome position (GRCh38, 1-based): chr1:21,729,750, A>G on the plus strand (T>C on the coding strand, the complement: USP48 is on the minus strand). VCF-style: chr1-21729750-A-G. GRCh37 (hg19) VCF-style: chr1-22056243-A-G.
Other names: c.1254T>C, p.Tyr418= (NM_001330394.3, NM_001350168.2, NM_001032730.3); c.1251T>C, p.Tyr417= (NM_001350164.2, NM_001350166.2, NM_001350167.2).
Identifiers: ClinVar variation 2638450 (VCV002638450.24), dbSNP rs138249562, ClinGen allele CA668556.

ClinVar aggregate classification (germline): Likely benign (1 of 4 stars; one submission).

Allele frequency attached by ClinVar (database versions not stated): ESP Exome Variant Server 0.00077; gnomAD 0.00050; gnomAD exomes 0.00054; TOPMed 0.00070; ExAC 0.00077.
gnomAD v4.1: 879 of 1,614,036 alleles (0.054%); highest among the groups gnomAD compares: Admixed American, 0.12%; no homozygotes.

Submission:

CeGaT Center for Human Genetics Tuebingen
Classification: Likely benign. Last evaluated: 2023-02-01. Review status: criteria provided, single submitter. Criteria: CeGaT Center For Human Genetics Tuebingen Variant Classification Criteria Version 2. Collection method: clinical testing. Allele origin: germline. Affected: yes. Observed: 1 variant allele.
Comment: USP48: BP4, BP7